The following is an entry in ClinVar:

NM_002109.6(HARS1):c.1255_1256delinsCT (p.Lys419Leu)

Gene: HARS1 (histidyl-tRNA synthetase 1; minus strand). Cytogenetic location: 5q31.3.
Variant type: Indel.
Coding change: c.1255_1256delinsCT on transcript NM_002109.6 (MANE Select); coding-DNA positions 1255 to 1256, AA replaced by CT.
Protein change: p.Lys419Leu; replaces lysine 419 with leucine.
Molecular consequence: missense variant.
Genome position (GRCh38, 1-based): chr5:140,675,072-140,675,073, TT replaced by AG on the plus strand (AA replaced by CT on the coding strand, the reverse complement: HARS1 is on the minus strand). VCF-style: chr5-140675072-TT-AG. GRCh37 (hg19) VCF-style: chr5-140054657-TT-AG.
Other names: c.1135_1136delinsCT, p.Lys379Leu (NM_001258040.3); c.1195_1196delinsCT, p.Lys399Leu (NM_001258041.3); c.1075_1076delinsCT, p.Lys359Leu (NM_001258042.3); c.1033_1034delinsCT, p.Lys345Leu (NM_001289092.2); c.913_914delinsCT, p.Lys305Leu (NM_001289093.2); c.1168_1169delinsCT, p.Lys390Leu (NM_001289094.2); short protein forms K305L, K359L, K419L, K379L, K399L, K345L, K390L.
Identifiers: ClinVar variation 851428 (VCV000851428.9), dbSNP rs1758283199, ClinGen allele CA916082785.

ClinVar aggregate classification (germline): Uncertain significance (1 of 4 stars; one submission).

Conditions:
Usher syndrome type 3B. Also called: USHER SYNDROME, TYPE IIIB. Identifiers: MedGen C3281066, MONDO:0013788, OMIM 614504.

Submission:

Labcorp Genetics (formerly Invitae), Labcorp
Classification: Uncertain significance for Usher syndrome type 3B. Last evaluated: 2025-01-18. Review status: criteria provided, single submitter. Criteria: Invitae Variant Classification Sherloc (09022015). Collection method: clinical testing. Allele origin: germline.
Comment: This sequence change replaces lysine, which is basic and polar, with leucine, which is neutral and non-polar, at codon 419 of the HARS protein (p.Lys419Leu). This variant is present in population databases (no rsID available, gnomAD 0.008%). This variant has not been reported in the literature in individuals affected with HARS-related conditions. ClinVar contains an entry for this variant (Variation ID: 851428). An algorithm developed to predict the effect of missense changes on protein structure and function (PolyPhen-2) suggests that this variant is likely to be tolerated. In summary, the available evidence is currently insufficient to determine the role of this variant in disease. Therefore, it has been classified as a Variant of Uncertain Significance.